The following is an entry in ClinVar:

NM_020738.4(KIDINS220):c.1670C>T (p.Ala557Val)

Gene: KIDINS220 (kinase D interacting substrate 220; minus strand). Cytogenetic location: 2p25.1.
Variant type: single nucleotide variant.
Coding change: c.1670C>T on transcript NM_020738.4 (MANE Select); coding-DNA position 1670, C replaced by T.
Protein change: p.Ala557Val; replaces alanine 557 with valine.
Molecular consequence: missense variant. On other transcripts: non-coding transcript variant (2).
Genome position (GRCh38, 1-based): chr2:8,788,764, G>A on the plus strand (C>T on the coding strand, the complement: KIDINS220 is on the minus strand). VCF-style: chr2-8788764-G-A. GRCh37 (hg19) VCF-style: chr2-8928894-G-A.
Other names: c.1670C>T (NM_020738.2); c.1673C>T, p.Ala558Val (NM_001348729.2, NM_001348731.2, NM_001348734.2 and 3 more transcripts); c.1670C>T, p.Ala557Val (NM_001348732.2, NM_001348735.2, NM_001348738.2 and 3 more transcripts); c.1544C>T, p.Ala515Val (NM_001348736.2); short protein forms A515V, A557V, A558V.
Identifiers: ClinVar variation 1128176 (VCV001128176.15), dbSNP rs201557833, ClinGen allele CA1520126.

ClinVar aggregate classification (germline): Conflicting classifications of pathogenicity. Review status: criteria provided, conflicting classifications (1 of 4 stars). 4 submissions from 4 submitters: Uncertain significance (1); Likely benign (3). Last evaluated 2026-01-15.

Conditions:
KIDINS220-related disorder. Also called: KIDINS220-related condition.

Allele frequency attached by ClinVar (database versions not stated): gnomAD exomes 0.00016 and 0.00037; ExAC 0.00052; ESP Exome Variant Server 0.00150; 1000 Genomes Project 0.00180; gnomAD 0.00180 and 0.00198; TOPMed 0.00194; 1000 Genomes Project 30x 0.00203.
gnomAD v4.1: 516 of 1,613,930 alleles (0.032%); highest among the groups gnomAD compares: African/African-American, 0.63%; 4 homozygotes.

Submissions (4):

Labcorp Genetics (formerly Invitae), Labcorp
Classification: Likely benign. Last evaluated: 2026-01-15. Review status: criteria provided, single submitter. Criteria: Invitae Variant Classification Sherloc (09022015). Collection method: clinical testing. Allele origin: germline.

GeneDx
Classification: Uncertain significance. Last evaluated: 2025-06-30. Review status: criteria provided, single submitter. Criteria: GeneDx Variant Classification Process June 2021. Collection method: clinical testing. Allele origin: germline. Affected: yes.
Comment: Reported in a patient with chronic psychosis; however, other potentially disease-causing variants were identified and detailed clinical information was not provided (PMID: 27211562); In silico analysis supports that this missense variant has a deleterious effect on protein structure/function; This variant is associated with the following publications: (PMID: 29181864, 26215504, 27211562)

PreventionGenetics, part of Exact Sciences
Classification: Likely benign for KIDINS220-related condition. Last evaluated: 2025-06-17. Review status: criteria provided, single submitter. Criteria: ACMG Guidelines, 2015. Collection method: clinical testing. Allele origin: germline.
Comment: This variant is classified as likely benign based on ACMG/AMP sequence variant interpretation guidelines (Richards et al. 2015 PMID: 25741868, with internal and published modifications).

Breakthrough Genomics
Classification: Likely benign. Review status: criteria provided, single submitter. Criteria: ACMG Guidelines, 2015. Collection method: not provided. Allele origin: germline. Inheritance: Autosomal recessive inheritance. Affected: yes.